The following is an entry in ClinVar:

NM_001378454.1(ALMS1):c.9099T>C (p.Ser3033=)

Gene: ALMS1 (ALMS1 centrosome and basal body associated protein; plus strand). Cytogenetic location: 2p13.1.
Variant type: single nucleotide variant.
Coding change: c.9099T>C on transcript NM_001378454.1 (MANE Select); coding-DNA position 9099, T replaced by C.
Protein change: p.Ser3033=; no amino-acid change (serine 3033 retained).
Molecular consequence: synonymous variant.
Genome position (GRCh38, 1-based): chr2:73,491,058, T>C. VCF-style: chr2-73491058-T-C. GRCh37 (hg19) VCF-style: chr2-73718185-T-C.
Other names: c.9102T>C, p.Ser3034= (NM_015120.4).
Identifiers: ClinVar variation 2709559 (VCV002709559.4), dbSNP rs2466219274, ClinGen allele CA427015708.
Genomic context (GRCh38, chr2:73,491,058, plus strand): 5'-AGCCAAGTTCAATACTGTGGTCTCCCAGTCAGCCCCAAATCACTGTACATTAGCAGCATC[T>C]GCATCTACTCCTCCTTCAAATAGAAAAGCACTTTCTTGTGTTCATATAACTCTTTGTCCC-3'
Protein context (NP_001365383.1, residues 3023-3043): SAPNHCTLAA[Ser3033=]ASTPPSNRKA

ClinVar aggregate classification (germline): Likely benign. Review status: criteria provided, single submitter (1 of 4 stars). 2 submissions from 2 submitters: Likely benign (1). 1 of the submissions does not count toward it. Last evaluated 2024-01-16.

Conditions:
ALMS1-related disorder. Also called: ALMS1-related condition.
Alstrom syndrome (ALMS). Identifiers: Orphanet 64, MedGen C0268425, MONDO:0008763, OMIM 203800.

Submissions (2):

Labcorp Genetics (formerly Invitae), Labcorp
Classification: Likely benign for Alstrom syndrome. Last evaluated: 2024-01-16. Review status: criteria provided, single submitter. Criteria: Invitae Variant Classification Sherloc (09022015). Collection method: clinical testing. Allele origin: germline.

PreventionGenetics, part of Exact Sciences
Classification: Likely benign for ALMS1-related condition. Last evaluated: 2023-06-23. Review status: no assertion criteria provided. Collection method: clinical testing. Allele origin: germline. Not counted in ClinVar's aggregate classification.
Comment: This variant is classified as likely benign based on ACMG/AMP sequence variant interpretation guidelines (Richards et al. 2015 PMID: 25741868, with internal and published modifications).